The following is an entry in ClinVar:

ClinVar aggregate classification (germline): Uncertain significance (1 of 4 stars; one submission).

gnomAD v4.1: 2 of 1,613,860 alleles (0.00012%); highest among the groups gnomAD compares: Non-Finnish European, 0.00017%; no homozygotes.

Submission:

GeneDx
Classification: Uncertain significance. Last evaluated: 2024-10-29. Review status: criteria provided, single submitter. Criteria: GeneDx Variant Classification Process June 2021. Collection method: clinical testing. Allele origin: germline. Affected: yes.
Comment: Not observed at significant frequency in large population cohorts (gnomAD); In silico analysis indicates that this missense variant does not alter protein structure/function; Has not been previously published as pathogenic or benign to our knowledge

NM_018489.3(ASH1L):c.2087T>C (p.Val696Ala)

Gene: ASH1L (ASH1 like histone lysine methyltransferase; minus strand). Cytogenetic location: 1q22.
Variant type: single nucleotide variant.
Coding change: c.2087T>C on transcript NM_018489.3 (MANE Select); coding-DNA position 2087, T replaced by C.
Protein change: p.Val696Ala; replaces valine 696 with alanine.
Molecular consequence: missense variant.
Genome position (GRCh38, 1-based): chr1:155,480,783, A>G on the plus strand (T>C on the coding strand, the complement: ASH1L is on the minus strand). VCF-style: chr1-155480783-A-G. GRCh37 (hg19) VCF-style: chr1-155450574-A-G.
Other names: c.2087T>C, p.Val696Ala (NM_001366177.2); short protein forms V696A.
Identifiers: ClinVar variation 3897453 (VCV003897453.1).
Genomic context (GRCh38, chr1:155,480,783, plus strand): 5'-TTTCTTCCTTTTCTTTTTTTTAATGGTTTGGACTGCAAACTAGTACTTAGGCTTTCAGCA[A>G]CTTGGCAGTGTTTGTCTGATGCAGATACTGCACCCAGTTTTAAAAAAGGCTTATTACTAA-3'
Protein context (NP_060959.2, residues 686-706): AVSASDKHCQ[Val696Ala]AESLSTSLQS